The following is an entry in ClinVar:

NM_014285.7(EXOSC2):c.29C>T (p.Ala10Val)

Gene: EXOSC2 (exosome component 2; plus strand). Cytogenetic location: 9q34.12.
Variant type: single nucleotide variant.
Coding change: c.29C>T on transcript NM_014285.7 (MANE Select); coding-DNA position 29, C replaced by T.
Protein change: p.Ala10Val; replaces alanine 10 with valine.
Molecular consequence: missense variant. On other transcripts: non-coding transcript variant (1).
Genome position (GRCh38, 1-based): chr9:130,693,820, C>T. VCF-style: chr9-130693820-C-T. GRCh37 (hg19) VCF-style: chr9-133569207-C-T.
Other names: c.29C>T, p.Ala10Val (NM_001282708.1, NM_001282709.1); short protein forms A10V.
Identifiers: ClinVar variation 1467836 (VCV001467836.8), dbSNP rs1364784713, ClinGen allele CA375245910.
Genomic context (GRCh38, chr9:130,693,820, plus strand): 5'-GAGCTGCGCCTGCGCAACTCATTGGCGCCAAGATGGCGATGGAGATGAGGCTTCCAGTGG[C>T]TCGCAAGCCTCTTAGCGAGAGACTGGGCCGCGACACTAAGAAACATCTAGTGGTGCCGGG-3'
Protein context (NP_055100.2, residues 1-20): MAMEMRLPV[Ala10Val]RKPLSERLGR

ClinVar aggregate classification (germline): Uncertain significance (1 of 4 stars; one submission).

Allele frequency attached by ClinVar (database versions not stated): gnomAD 0.00001; TOPMed 0.00001.
gnomAD v4.1: 17 of 1,609,572 alleles (0.0011%); highest among the groups gnomAD compares: African/African-American, 0.0013%; no homozygotes.

Submission:

Labcorp Genetics (formerly Invitae), Labcorp
Classification: Uncertain significance. Last evaluated: 2023-10-16. Review status: criteria provided, single submitter. Criteria: Invitae Variant Classification Sherloc (09022015). Collection method: clinical testing. Allele origin: germline.
Comment: This sequence change replaces alanine, which is neutral and non-polar, with valine, which is neutral and non-polar, at codon 10 of the EXOSC2 protein (p.Ala10Val). This variant is not present in population databases (gnomAD no frequency). This variant has not been reported in the literature in individuals affected with EXOSC2-related conditions. ClinVar contains an entry for this variant (Variation ID: 1467836). An algorithm developed to predict the effect of missense changes on protein structure and function (PolyPhen-2) suggests that this variant is likely to be tolerated. In summary, the available evidence is currently insufficient to determine the role of this variant in disease. Therefore, it has been classified as a Variant of Uncertain Significance.